The following is an entry in ClinVar:

ClinVar aggregate classification (germline): Uncertain significance (1 of 4 stars; one submission).

Conditions:
FGFR2-related disorder. Identifiers: MedGen CN380096.

Submission:

3billion
Classification: Uncertain significance for FGFR2-related disorder. Last evaluated: 2025-09-02. Review status: criteria provided, single submitter. Criteria: ACMG Guidelines, 2015. Collection method: clinical testing. Allele origin: germline. Affected: yes.
Comment: The variant is not observed in the gnomAD v4.1.0 dataset. Predicted Consequence/Location: Missense variant. Missense changes are a common disease-causing mechanism. In silico tool predictions suggest damaging effect of the variant on gene or gene product [REVEL: 0.93 (>=0.6, sensitivity 0.68 and specificity 0.92); 3Cnet: 0.99 (> 0.75, sensitivity 0.96 and precision 0.92)]. Therefore, this variant is classified as VUS according to the recommendation of ACMG/AMP guideline.

NM_000141.5(FGFR2):c.1996C>G (p.Pro666Ala)

Gene: FGFR2 (fibroblast growth factor receptor 2; minus strand). Cytogenetic location: 10q26.13.
Variant type: single nucleotide variant.
Coding change: c.1996C>G on transcript NM_000141.5 (MANE Select); coding-DNA position 1996, C replaced by G.
Protein change: p.Pro666Ala; replaces proline 666 with alanine.
Molecular consequence: missense variant. On other transcripts: non-coding transcript variant (1).
Genome position (GRCh38, 1-based): chr10:121,487,415, G>C on the plus strand (C>G on the coding strand, the complement: FGFR2 is on the minus strand). VCF-style: chr10-121487415-G-C. GRCh37 (hg19) VCF-style: chr10-123246929-G-C.
Other names: c.1999C>G, p.Pro667Ala (NM_001144913.1, NM_022970.4); c.1660C>G, p.Pro554Ala (NM_001144914.1); c.1729C>G, p.Pro577Ala (NM_001144915.2, NM_023029.3); c.1651C>G, p.Pro551Ala (NM_001144916.2, NM_001441090.1); c.1648C>G, p.Pro550Ala (NM_001144917.2); c.1645C>G, p.Pro549Ala (NM_001144918.2, NM_001441091.1); c.1732C>G, p.Pro578Ala (NM_001144919.2); c.1312C>G, p.Pro438Ala (NM_001320654.2); and 4 more; short protein forms P438A, P549A, P550A, P551A, P554A, P575A, P576A, P577A.
Identifiers: ClinVar variation 4856018 (VCV004856018.1).
Genomic context (GRCh38, chr10:121,487,415, plus strand): 5'-CATCACTCTGATGAGTGTATACTCTATCAAACAGGGCTTCTGGAGCCATCCACTTGACTG[G>C]AAGCCGCCCCTGCAAATGTAGAGGAAAATGCAAAAACTAAATATATTTAAAAGAATTTAT-3'
Protein context (NP_000132.3, residues 656-676): YYKKTTNGRL[Pro666Ala]VKWMAPEALF